The following is an entry in ClinVar:

NM_001999.4(FBN2):c.8155T>A (p.Cys2719Ser)

Gene: FBN2 (fibrillin 2; minus strand). Cytogenetic location: 5q23.3.
Variant type: single nucleotide variant.
Coding change: c.8155T>A on transcript NM_001999.4 (MANE Select); coding-DNA position 8155, T replaced by A.
Protein change: p.Cys2719Ser; replaces cysteine 2719 with serine.
Molecular consequence: missense variant.
Genome position (GRCh38, 1-based): chr5:128,263,462, A>T on the plus strand (T>A on the coding strand, the complement: FBN2 is on the minus strand). VCF-style: chr5-128263462-A-T. GRCh37 (hg19) VCF-style: chr5-127599154-A-T.
Other names: short protein forms C2719S.
Identifiers: ClinVar variation 4841633 (VCV004841633.1).

ClinVar aggregate classification (germline): Uncertain significance (1 of 4 stars; one submission).

Conditions:
Familial thoracic aortic aneurysm and aortic dissection (TAAD). Also called: Thoracic aortic aneurysms and dissections. Identifiers: Orphanet 91387, MedGen C4707243, MONDO:0019625.

Submission:

Ambry Genetics
Classification: Uncertain significance for Familial thoracic aortic aneurysm and aortic dissection. Last evaluated: 2025-12-30. Review status: criteria provided, single submitter. Criteria: Ambry Variant Classification Scheme 2023. Collection method: clinical testing. Allele origin: germline.
Comment: The p.C2719S variant (also known as c.8155T>A), located in coding exon 63 of the FBN2 gene, results from a T to A substitution at nucleotide position 8155. The cysteine at codon 2719 is replaced by serine, an amino acid with dissimilar properties. This amino acid position is conserved. In addition, this alteration is predicted to be deleterious by in silico analysis. Based on the available evidence, the clinical significance of this variant remains unclear.